The following is an entry in ClinVar:

ClinVar aggregate classification (germline): Uncertain significance. Review status: criteria provided, multiple submitters, no conflicts (2 of 4 stars). 2 submissions from 2 submitters: Uncertain significance (2). Last evaluated 2022-05-26.

Conditions:
Wiskott-Aldrich syndrome 2 (WAS2). Also called: WIPF1 DEFICIENCY. Identifiers: Orphanet 906, MedGen C3281001, MONDO:0013779, OMIM 614493.

Allele frequency attached by ClinVar (database versions not stated): gnomAD exomes below 0.00001 and 0.00001; TOPMed below 0.00001; ExAC 0.00002.
gnomAD v4.1: 6 of 1,614,212 alleles (0.00037%); highest among the groups gnomAD compares: African/African-American, 0.0013%; no homozygotes.

Submissions (2):

Labcorp Genetics (formerly Invitae), Labcorp
Classification: Uncertain significance for Wiskott-Aldrich syndrome 2. Last evaluated: 2022-05-26. Review status: criteria provided, single submitter. Criteria: Invitae Variant Classification Sherloc (09022015). Collection method: clinical testing. Allele origin: germline.
Comment: This sequence change replaces threonine, which is neutral and polar, with methionine, which is neutral and non-polar, at codon 471 of the WIPF1 protein (p.Thr471Met). This variant is present in population databases (rs752911584, gnomAD 0.003%). This variant has not been reported in the literature in individuals affected with WIPF1-related conditions. ClinVar contains an entry for this variant (Variation ID: 1163805). Algorithms developed to predict the effect of missense changes on protein structure and function output the following: SIFT: "Not Available"; PolyPhen-2: "Benign"; Align-GVGD: "Not Available". The methionine amino acid residue is found in multiple mammalian species, which suggests that this missense change does not adversely affect protein function. In summary, the available evidence is currently insufficient to determine the role of this variant in disease. Therefore, it has been classified as a Variant of Uncertain Significance.

Mayo Clinic Laboratories, Mayo Clinic
Classification: Uncertain significance. Last evaluated: 2020-12-29. Review status: criteria provided, single submitter. Criteria: ACMG Guidelines, 2015. Collection method: clinical testing. Allele origin: germline. Observed: 1 variant allele.

NM_001375834.1(WIPF1):c.1412C>T (p.Thr471Met)

Gene: WIPF1 (WAS/WASL interacting protein family member 1; minus strand). Cytogenetic location: 2q31.1.
Variant type: single nucleotide variant.
Coding change: c.1412C>T on transcript NM_001375834.1 (MANE Select); coding-DNA position 1412, C replaced by T.
Protein change: p.Thr471Met; replaces threonine 471 with methionine.
Molecular consequence: missense variant.
Genome position (GRCh38, 1-based): chr2:174,567,114, G>A on the plus strand (C>T on the coding strand, the complement: WIPF1 is on the minus strand). VCF-style: chr2-174567114-G-A. GRCh37 (hg19) VCF-style: chr2-175431842-G-A.
Other names: c.1412C>T, p.Thr471Met (NM_001077269.1, NM_001375832.1, NM_001375833.1 and 2 more transcripts); c.1034C>T, p.Thr345Met (NM_001375839.1); short protein forms T345M, T471M.
Identifiers: ClinVar variation 1163805 (VCV001163805.9), dbSNP rs752911584, ClinGen allele CA1973910.